The following is an entry in ClinVar:

NM_005591.4(MRE11):c.62T>C (p.Ile21Thr)

Gene: MRE11 (MRE11 double strand break repair nuclease; minus strand). Cytogenetic location: 11q21.
Variant type: single nucleotide variant.
Coding change: c.62T>C on transcript NM_005591.4 (MANE Select); coding-DNA position 62, T replaced by C.
Protein change: p.Ile21Thr; replaces isoleucine 21 with threonine.
Molecular consequence: missense variant.
Genome position (GRCh38, 1-based): chr11:94,490,924, A>G on the plus strand (T>C on the coding strand, the complement: MRE11 is on the minus strand). VCF-style: chr11-94490924-A-G. GRCh37 (hg19) VCF-style: chr11-94224090-A-G.
Other names: c.62T>C, p.Ile21Thr (NM_001330347.2, NM_005590.4); short protein forms I21T.
Identifiers: ClinVar variation 665578 (VCV000665578.11), dbSNP rs1475558133, ClinGen allele CA382380969.
Genomic context (GRCh38, chr11:94,490,924, plus strand): 5'-TCGAGTGTTACAAACGTATCATTTCCTCTGACTGCATCTTTCTCCATAAATCCAAGATGA[A>G]TATCTGTTGCAACTAATATTTTAAATGTGTTTTCATCATCACTATATTAAGAAAGAAGAA-3'
Protein context (NP_005582.1, residues 11-31): NTFKILVATD[Ile21Thr]HLGFMEKDAV

ClinVar aggregate classification (germline): Uncertain significance. Review status: criteria provided, multiple submitters, no conflicts (2 of 4 stars). 2 submissions from 2 submitters: Uncertain significance (2). Last evaluated 2024-06-13.

Conditions:
Ataxia-telangiectasia-like disorder (ATLD). Identifiers: MedGen C1858391, MONDO:0011457.
Hereditary cancer-predisposing syndrome. Also called: Tumor predisposition; Hereditary neoplastic syndrome; Neoplastic Syndromes, Hereditary; Hereditary Cancer Syndrome. Identifiers: Orphanet 140162, MedGen C0027672, MeSH D009386, MONDO:0015356.

Allele frequency attached by ClinVar (database versions not stated): gnomAD exomes below 0.00001.
gnomAD v4.1: 3 of 1,562,306 alleles (0.00019%); highest among the groups gnomAD compares: Non-Finnish European, 0.00026%; no homozygotes.

Submissions (2):

Ambry Genetics
Classification: Uncertain significance for Hereditary cancer-predisposing syndrome. Last evaluated: 2024-06-13. Review status: criteria provided, single submitter. Criteria: Ambry Variant Classification Scheme 2023. Collection method: clinical testing. Allele origin: germline.
Comment: The p.I21T variant (also known as c.62T>C), located in coding exon 2 of the MRE11A gene, results from a T to C substitution at nucleotide position 62. The isoleucine at codon 21 is replaced by threonine, an amino acid with similar properties. This amino acid position is conserved. In addition, the in silico prediction for this alteration is inconclusive. Based on the available evidence, the clinical significance of this variant remains unclear.

Labcorp Genetics (formerly Invitae), Labcorp
Classification: Uncertain significance for Ataxia-telangiectasia-like disorder. Last evaluated: 2024-04-15. Review status: criteria provided, single submitter. Criteria: Invitae Variant Classification Sherloc (09022015). Collection method: clinical testing. Allele origin: germline.
Comment: This sequence change replaces isoleucine, which is neutral and non-polar, with threonine, which is neutral and polar, at codon 21 of the MRE11 protein (p.Ile21Thr). This variant is present in population databases (no rsID available, gnomAD 0.0009%). This variant has not been reported in the literature in individuals affected with MRE11-related conditions. ClinVar contains an entry for this variant (Variation ID: 665578). An algorithm developed to predict the effect of missense changes on protein structure and function (PolyPhen-2) suggests that this variant is likely to be disruptive. In summary, the available evidence is currently insufficient to determine the role of this variant in disease. Therefore, it has been classified as a Variant of Uncertain Significance.